The following is an entry in ClinVar:

NM_000111.3(SLC26A3):c.2260C>T (p.Arg754Trp)

Gene: SLC26A3 (solute carrier family 26 member 3; minus strand). Cytogenetic location: 7q22.3.
Variant type: single nucleotide variant.
Coding change: c.2260C>T on transcript NM_000111.3 (MANE Select); coding-DNA position 2260, C replaced by T.
Protein change: p.Arg754Trp; replaces arginine 754 with tryptophan.
Molecular consequence: missense variant.
Genome position (GRCh38, 1-based): chr7:107,767,590, G>A on the plus strand (C>T on the coding strand, the complement: SLC26A3 is on the minus strand). VCF-style: chr7-107767590-G-A. GRCh37 (hg19) VCF-style: chr7-107408035-G-A.
Other names: short protein forms R754W.
Identifiers: ClinVar variation 1391610 (VCV001391610.5), dbSNP rs776540922, ClinGen allele CA4433529.
Genomic context (GRCh38, chr7:107,767,590, plus strand): 5'-TTTTTTGCTGTGATGTCTAGGTGAAGATAAACCTGTTGAAGAATCTTACCTCATATACCC[G>A]ATTACGTAATCCTCCATTTGTATTTATGGTAAAATCAATTTTTCCATCTTTTTCCTGAGA-3'
Protein context (NP_000102.1, residues 744-764): TINTNGGLRN[Arg754Trp]VYEVPVETKF

ClinVar aggregate classification (germline): Uncertain significance (1 of 4 stars; one submission).

Allele frequency attached by ClinVar (database versions not stated): gnomAD exomes below 0.00001 and 0.00002; ExAC 0.00003.

Submission:

Labcorp Genetics (formerly Invitae), Labcorp
Classification: Uncertain significance. Last evaluated: 2024-10-17. Review status: criteria provided, single submitter. Criteria: Invitae Variant Classification Sherloc (09022015). Collection method: clinical testing. Allele origin: germline.
Comment: This sequence change replaces arginine, which is basic and polar, with tryptophan, which is neutral and slightly polar, at codon 754 of the SLC26A3 protein (p.Arg754Trp). This variant is present in population databases (rs776540922, gnomAD 0.004%). This variant has not been reported in the literature in individuals affected with SLC26A3-related conditions. ClinVar contains an entry for this variant (Variation ID: 1391610). An algorithm developed to predict the effect of missense changes on protein structure and function (PolyPhen-2) suggests that this variant is likely to be tolerated. In summary, the available evidence is currently insufficient to determine the role of this variant in disease. Therefore, it has been classified as a Variant of Uncertain Significance.